The following is an entry in ClinVar:

NM_001082486.2(ACD):c.488A>G (p.Asn163Ser)

Gene: ACD (ACD shelterin complex subunit and telomerase recruitment factor; minus strand). Cytogenetic location: 16q22.1.
Variant type: single nucleotide variant.
Coding change: c.488A>G on transcript NM_001082486.2 (MANE Select); coding-DNA position 488, A replaced by G.
Protein change: p.Asn163Ser; replaces asparagine 163 with serine.
Molecular consequence: missense variant.
Genome position (GRCh38, 1-based): chr16:67,659,234, T>C on the plus strand (A>G on the coding strand, the complement: ACD is on the minus strand). VCF-style: chr16-67659234-T-C. GRCh37 (hg19) VCF-style: chr16-67693137-T-C.
Other names: c.479A>G, p.Asn160Ser (NM_022914.3); short protein forms N160S, N163S.
Identifiers: ClinVar variation 858372 (VCV000858372.9), dbSNP rs370512338, ClinGen allele CA8114657.

ClinVar aggregate classification (germline): Uncertain significance. Review status: criteria provided, multiple submitters, no conflicts (2 of 4 stars). 4 submissions from 4 submitters: Uncertain significance (3). 1 of the submissions does not count toward it. Last evaluated 2025-11-30.

Conditions:
Long telomere syndrome.
Dyskeratosis congenita, autosomal dominant 6 (DKCA6). Identifiers: Orphanet 3322, MedGen C4225284, MONDO:0014690, OMIM 616553.

Allele frequency attached by ClinVar (database versions not stated): gnomAD exomes 0.00007; TOPMed 0.00007; ExAC 0.00009; gnomAD 0.00009; ESP Exome Variant Server 0.00023.

Submissions (4):

Labcorp Genetics (formerly Invitae), Labcorp
Classification: Uncertain significance for Dyskeratosis congenita, autosomal dominant 6. Last evaluated: 2025-11-30. Review status: criteria provided, single submitter. Criteria: Invitae Variant Classification Sherloc (09022015). Collection method: clinical testing. Allele origin: germline.
Comment: This sequence change replaces asparagine, which is neutral and polar, with serine, which is neutral and polar, at codon 249 of the ACD protein (p.Asn249Ser). This variant is present in population databases (rs370512338, gnomAD 0.03%). This missense change has been observed in individual(s) with cutaneous malignant melanoma and/or osteosarcoma (PMID: 25505254, 32191290). ClinVar contains an entry for this variant (Variation ID: 858372). Invitae Evidence Modeling of protein sequence and biophysical properties (such as structural, functional, and spatial information, amino acid conservation, physicochemical variation, residue mobility, and thermodynamic stability) indicates that this missense variant is not expected to disrupt ACD protein function with a negative predictive value of 80%. In summary, the available evidence is currently insufficient to determine the role of this variant in disease. Therefore, it has been classified as a Variant of Uncertain Significance.

Center for Genomic Medicine, Rigshospitalet, Copenhagen University Hospital
Classification: Uncertain significance. Last evaluated: 2025-03-04. Review status: criteria provided, single submitter. Criteria: ACMG Guidelines, 2015. Collection method: clinical testing. Allele origin: germline.

ARUP Laboratories, Molecular Genetics and Genomics, ARUP Laboratories
Classification: Uncertain significance. Last evaluated: 2023-12-13. Review status: criteria provided, single submitter. Criteria: ARUP Molecular Germline Variant Investigation Process 2024. Collection method: clinical testing. Allele origin: germline.

The Telomere Center at Johns Hopkins, Johns Hopkins University School of Medicine
Classification: Pathogenic for Long telomere syndrome. Last evaluated: 2023-04-01. Review status: no assertion criteria provided. Collection method: research. Allele origin: germline. Affected: yes. Not counted in ClinVar's aggregate classification.

Literature cited by the submitters: PubMed 25505254 (cited by Labcorp Genetics (formerly Invitae), Labcorp); PubMed 32191290 (cited by Labcorp Genetics (formerly Invitae), Labcorp); PubMed 38688277 (cited by The Telomere Center at Johns Hopkins, Johns Hopkins University School of Medicine).